The following is an entry in ClinVar:

ClinVar aggregate classification (germline): Conflicting classifications of pathogenicity. Review status: criteria provided, conflicting classifications (1 of 4 stars). 3 submissions from 3 submitters: Uncertain significance (1); Benign (1). 1 of the submissions does not count toward it. Last evaluated 2026-08-04.

Conditions:
ARHGDIA-related disorder. Also called: ARHGDIA-related condition.

Allele frequency attached by ClinVar (database versions not stated): gnomAD exomes 0.00049 and 0.00015; gnomAD 0.00168 and 0.00173; ExAC 0.00064; 1000 Genomes Project 0.00140; 1000 Genomes Project 30x 0.00141; ESP Exome Variant Server 0.00177; TOPMed 0.00190.

Submissions (3):

GeneDx
Classification: Uncertain significance. Last evaluated: 2026-08-04. Review status: criteria provided, single submitter. Criteria: GeneDx Variant Classification Process June 2021. Collection method: clinical testing. Allele origin: germline.
Comment: In silico analysis suggests this variant may impact gene splicing. In the absence of RNA/functional studies, the actual effect of this sequence change is unknown.; Has not been previously published as pathogenic or benign to our knowledge

Labcorp Genetics (formerly Invitae), Labcorp
Classification: Benign. Last evaluated: 2026-01-09. Review status: criteria provided, single submitter. Criteria: Invitae Variant Classification Sherloc (09022015). Collection method: clinical testing. Allele origin: germline.

PreventionGenetics, part of Exact Sciences
Classification: Likely benign for ARHGDIA-related condition. Last evaluated: 2019-09-13. Review status: no assertion criteria provided. Collection method: clinical testing. Allele origin: germline. Not counted in ClinVar's aggregate classification.
Comment: This variant is classified as likely benign based on ACMG/AMP sequence variant interpretation guidelines (Richards et al. 2015 PMID: 25741868, with internal and published modifications).

NM_004309.6(ARHGDIA):c.432C>T (p.Tyr144=)

Gene: ARHGDIA (Rho GDP dissociation inhibitor alpha; minus strand). Cytogenetic location: 17q25.3.
Variant type: single nucleotide variant.
Coding change: c.432C>T on transcript NM_004309.6 (MANE Select); coding-DNA position 432, C replaced by T.
Protein change: p.Tyr144=; no amino-acid change (tyrosine 144 retained).
Molecular consequence: synonymous variant. On other transcripts: non-coding transcript variant (1), intron variant (1).
Genome position (GRCh38, 1-based): chr17:81,869,059, G>A on the plus strand (C>T on the coding strand, the complement: ARHGDIA is on the minus strand). VCF-style: chr17-81869059-G-A. GRCh37 (hg19) VCF-style: chr17-79826935-G-A.
Other names: c.432C>T, p.Tyr144= (NM_001185077.3, NM_001301240.2, NM_001301241.2 and 1 more transcripts); c.567C>T, p.Tyr189= (NM_001301243.2); c.415+114C>T (NM_001185078.3); c.432C>T (NM_004309.5).
Identifiers: ClinVar variation 727690 (VCV000727690.13), dbSNP rs111331642, ClinGen allele CA8843230.